The following is an entry in ClinVar:

ClinVar aggregate classification (germline): Likely benign (0 of 4 stars; one submission).

Conditions:
APC-related disorder. Also called: APC-related condition.

Allele frequency attached by ClinVar (database versions not stated): gnomAD exomes below 0.00001; gnomAD 0.00001.
gnomAD v4.1: 3 of 985,790 alleles (0.0003%); highest among the groups gnomAD compares: Non-Finnish European, 0.00036%; no homozygotes.

Submission:

PreventionGenetics, part of Exact Sciences
Classification: Likely benign for APC-related condition. Last evaluated: 2022-12-12. Review status: no assertion criteria provided. Collection method: clinical testing. Allele origin: germline.
Comment: This variant is classified as likely benign based on ACMG/AMP sequence variant interpretation guidelines (Richards et al. 2015 PMID: 25741868, with internal and published modifications).

NM_000038.6(APC):c.-19+529G>A

Gene: APC (APC regulator of WNT signaling pathway; plus strand). Cytogenetic location: 5q22.2.
Variant type: single nucleotide variant.
Coding change: c.-19+529G>A on transcript NM_000038.6 (MANE Select); 529 bases into the intron after 19 bases upstream of the start codon, G replaced by A.
Molecular consequence: intron variant. On other transcripts: 5 prime UTR variant (4), synonymous variant (3).
Genome position (GRCh38, 1-based): chr5:112,738,454, G>A. VCF-style: chr5-112738454-G-A. GRCh37 (hg19) VCF-style: chr5-112074151-G-A.
Other names: c.-25G>A (NM_001127510.3, NM_001407449.1, NM_001407455.1 and 1 more transcripts); c.54G>A, p.Arg18= (NM_001354898.2, NM_001354904.2, NM_001407451.1); c.-1053-16419G>A (NM_001407470.1, NM_001407472.1); c.-18-16419G>A (NM_001407447.1, NM_001354895.2, NM_001407456.1 and 7 more transcripts); c.166-27872G>A (NM_001407446.1, NM_001354897.2, NM_001354902.2 and 1 more transcripts); c.-42-27872G>A (NM_001407453.1); c.-1054+529G>A (NM_001354906.2, NM_001407471.1); c.-19+529G>A (NM_001354896.2, NM_001407454.1, NM_001354903.2 and 2 more transcripts); and 1 more.
Identifiers: ClinVar variation 3049650 (VCV003049650.2), dbSNP rs1752590252, ClinGen allele CA1080212747.
Genomic context (GRCh38, chr5:112,738,454, plus strand): 5'-GCTGCAGATGGCTGATGTGAATCTAGTGGAAAGAGCTACTGGGGATGAGAGAAAGAGGAG[G>A]AGGCAGGTACTGCAGAGCGTGAGTGGTGGTGTTGGTTGGTGAAATACTGGTCACCAGTAG-3'